The following is an entry in ClinVar:

ClinVar aggregate classification (germline): Pathogenic. Review status: reviewed by expert panel (3 of 4 stars). 7 submissions from 7 submitters: Pathogenic (1). 6 of the submissions do not count toward it. Last evaluated 2026-01-23.

Conditions:
Neuromuscular disease caused by qualitative or quantitative defects of dysferlin. Also called: Dysferlinopathy; Qualitative or quantitative defects of dysferlin. Identifiers: Orphanet 207073, MedGen C2931687, MONDO:0016145.
Autosomal recessive limb-girdle muscular dystrophy type 2B (LGMDR2). Also called: Limb-Girdle Muscular Dystrophy Type 2B (LGMD2B); Limb-girdle muscular dystrophy, type 2B; MUSCULAR DYSTROPHY, LIMB-GIRDLE, TYPE 3; MUSCULAR DYSTROPHY, LIMB-GIRDLE, AUTOSOMAL RECESSIVE 2. Identifiers: Orphanet 268, MedGen C1850889, MONDO:0009676, OMIM 253601.
Autosomal recessive limb-girdle muscular dystrophy. Identifiers: Orphanet 102015, MedGen C2931907, MONDO:0015152.

Allele frequency attached by ClinVar (database versions not stated): gnomAD exomes below 0.00001.
gnomAD v4.1: 4 of 1,606,204 alleles (0.00025%); highest among the groups gnomAD compares: South Asian, 0.0022%; no homozygotes.

Submissions (7):

ClinGen Limb Girdle Muscular Dystrophy Variant Curation Expert Panel, ClinGen
Classification: Pathogenic for Autosomal recessive limb-girdle muscular dystrophy. Last evaluated: 2026-01-23. Review status: reviewed by expert panel. Criteria: ClinGen LGMD VCEP ACMG Specifications DYSF V2.0.0. Collection method: curation. Allele origin: germline. Inheritance: Autosomal recessive inheritance.
Comment: The NM_003494.4: c.5518G>A variant in DYSF, which is also known as NM_001130987.2: c.5635G>A p.(Val1879Met), is a missense variant predicted to cause substitution of valine to methionine at amino acid 1840, p.(Val1840Met). This variant has been observed in at least three individuals with LGMD, including two with a second pathogenic variant in unknown phase (NM_003494.4: c.5077C>T p.(Arg1693Trp), 0.5 pts, PMID: 30564623, LOVD Individual #00220833; c.1397+2dup, 0.5 pts, Jain Foundation Dysferlin Registry, internal data communication) (PM3). At least one of these individuals also had absent dysferlin expression in muscle, which is highly specific for DYSF-related LGMD (Jain Foundation Dysferlin Registry, internal data communication; PP4_Strong). The highest population frequency of this variant in gnomAD v4.1.0 is 0.00002247 in the South Asian population (2/89002 chromosomes), which is less than the ClinGen LGMD VCEP threshold (<0.0001) (PM2_Supporting). Immunofluorescence and 2-A assays of dysferlin membrane localization in HEK293T cells showed the Val1840Met protein did not reach the cell membrane, indicating an impact on protein function (PMID: 35028538; PS3_Moderate). The computational predictor REVEL gives a score of 0.82, which is above the LGMD VCEP threshold of ≥0.70 (PP3). In summary, this variant is classified as Pathogenic for autosomal recessive limb girdle muscular dystrophy based on the ACMG/AMP criteria applied, as specified by the ClinGen LGMD VCEP (specifications v2.0.0; 01/23/2026): PP4_Strong, PS3_Moderate, PM2_Supporting, PM3, PP3.

Myriad Genetics, Inc.
Classification: Likely pathogenic for Autosomal recessive limb-girdle muscular dystrophy. Last evaluated: 2026-06-29. Review status: criteria provided, single submitter. Criteria: Myriad Autosomal Dominant, Autosomal Recessive and X-Linked Classification Criteria (2023). Collection method: clinical testing. Allele origin: unknown. Not counted in ClinVar's aggregate classification.
Comment: NM_003494.3(DYSF):c.5518G>A(V1840M) is a missense variant classified as likely pathogenic in the context of dysferlinopathy. V1840M has been observed in cases with relevant disease (PMID: 26436962, 30564623). Relevant functional assessments of this variant are available in the literature (PMID: 35028538). V1840M has been observed in referenced population frequency databases. In summary, NM_003494.3(DYSF):c.5518G>A(V1840M) is a missense variant that has been observed more frequently in cases with the relevant disease than in healthy populations. Please note: this variant was assessed in the context of healthy population screening.

Kasturba Medical College, Manipal, Kasturba Medical College, Manipal, Manipal Academy of Higher Education, Manipal, India
Classification: Likely pathogenic for Autosomal recessive limb-girdle muscular dystrophy type 2B. Last evaluated: 2025-11-21. Review status: criteria provided, single submitter. Criteria: ACMG Guidelines, 2015. Collection method: research. Allele origin: maternal. Inheritance: Autosomal recessive inheritance. Affected: yes. Not counted in ClinVar's aggregate classification.
Comment: The father’s sample was not available for testing. This variant is present in four individuals in heterozygous state and absent in homozygous state in the gnomAD population database (v4.1.0). This variant is absent in heterozygous and/or homozygous state in our in-house database of 3851 exomes. In-silico prediction tools (CADD_Phred and REVEL) are consistent in predicting the variant to be damaging to the DYSF protein structure and function.

Women's Health and Genetics/Laboratory Corporation of America, LabCorp
Classification: Uncertain significance. Last evaluated: 2025-09-25. Review status: criteria provided, single submitter. Criteria: LabCorp Variant Classification Summary - May 2015. Collection method: clinical testing. Allele origin: germline. Not counted in ClinVar's aggregate classification.
Comment: Variant summary: DYSF c.5518G>A (p.Val1840Met) results in a conservative amino acid change located in the C2 domain (IPR000008) of the encoded protein sequence. Algorithms developed to predict the effect of missense changes on protein structure and function are either unavailable or do not agree on the potential impact of this missense change. The variant allele was found at a frequency of 4.2e-06 in 235658 control chromosomes (gnomAD). The available data on variant occurrences in the general population are insufficient to allow any conclusion about variant significance. c.5518G>A has been reported in the literature in at least one compound heterozygous individual affected with Limb-Girdle Muscular Dystrophy, Autosomal Recessive (e.g. Ghaoui_2015). These data do not allow any conclusion about variant significance. To our knowledge, no experimental evidence demonstrating an impact on protein function has been reported. The following publication has been ascertained in the context of this evaluation (PMID: 26436962). ClinVar contains an entry for this variant (Variation ID: 284471). Based on the evidence outlined above, the variant was classified as uncertain significance.

Mayo Clinic Laboratories, Mayo Clinic
Classification: Uncertain significance. Last evaluated: 2024-09-19. Review status: criteria provided, single submitter. Criteria: ACMG Guidelines, 2015. Collection method: clinical testing. Allele origin: germline. Observed: 1 variant allele. Not counted in ClinVar's aggregate classification.
Comment: PP3, PP4, PM1, PM2, PM3_supporting

Labcorp Genetics (formerly Invitae), Labcorp
Classification: Likely pathogenic for Neuromuscular disease caused by qualitative or quantitative defects of dysferlin. Last evaluated: 2021-12-19. Review status: criteria provided, single submitter. Criteria: Invitae Variant Classification Sherloc (09022015). Collection method: clinical testing. Allele origin: germline. Not counted in ClinVar's aggregate classification.
Comment: This missense change has been observed in individual(s) with limb-girdle muscular dystrophy (PMID: 26436962). In at least one individual the data is consistent with being in trans (on the opposite chromosome) from a pathogenic variant. The frequency data for this variant in the population databases is considered unreliable, as metrics indicate poor data quality at this position in the gnomAD database. This sequence change replaces valine, which is neutral and non-polar, with methionine, which is neutral and non-polar, at codon 1840 of the DYSF protein (p.Val1840Met). ClinVar contains an entry for this variant (Variation ID: 284471). In summary, the currently available evidence indicates that the variant is pathogenic, but additional data are needed to prove that conclusively. Therefore, this variant has been classified as Likely Pathogenic. Advanced modeling of protein sequence and biophysical properties (such as structural, functional, and spatial information, amino acid conservation, physicochemical variation, residue mobility, and thermodynamic stability) performed at Invitae indicates that this missense variant is expected to disrupt DYSF protein function.

Eurofins Ntd Llc (ga)
Classification: Uncertain significance. Last evaluated: 2015-10-29. Review status: criteria provided, single submitter. Criteria: EGL Classification Definitions 2015. Collection method: clinical testing. Allele origin: germline. Observed: 1 variant allele. Not counted in ClinVar's aggregate classification.

Literature cited by the submitters: PubMed 26436962 (cited by 5 submitters); PubMed 30564623 (cited by Myriad Genetics, Inc.); PubMed 35028538 (cited by Myriad Genetics, Inc.).

NM_001130987.2(DYSF):c.5635G>A (p.Val1879Met)

Gene: DYSF (dysferlin; plus strand). Cytogenetic location: 2p13.2.
Variant type: single nucleotide variant.
Coding change: c.5635G>A on transcript NM_001130987.2 (MANE Select); coding-DNA position 5635, G replaced by A.
Protein change: p.Val1879Met; replaces valine 1879 with methionine.
Molecular consequence: missense variant.
Genome position (GRCh38, 1-based): chr2:71,669,200, G>A. VCF-style: chr2-71669200-G-A. GRCh37 (hg19) VCF-style: chr2-71896330-G-A.
Other names: p.Val1840Met; NM_001130987.2(DYSF):c.5635G>A; p.Val1879Met; c.5521G>A, p.Val1841Met (NM_001130455.2); c.5476G>A, p.Val1826Met (NM_001130976.2); c.5539G>A, p.Val1847Met (NM_001130977.2); c.5581G>A, p.Val1861Met (NM_001130978.2); c.5611G>A, p.Val1871Met (NM_001130979.2); and 8 more; short protein forms V1879M, V1840M, V1857M, V1858M, V1827M, V1841M, V1848M, V1878M.
Identifiers: ClinVar variation 284471 (VCV000284471.17), dbSNP rs886042880, ClinGen allele CA10604806.